The following is an entry in ClinVar:

NM_000038.6(APC):c.-19+493A>G

Gene: APC (APC regulator of WNT signaling pathway; plus strand). Cytogenetic location: 5q22.2.
Variant type: single nucleotide variant.
Coding change: c.-19+493A>G on transcript NM_000038.6 (MANE Select); 493 bases into the intron after 19 bases upstream of the start codon, A replaced by G.
Molecular consequence: intron variant. On other transcripts: 5 prime UTR variant (4), synonymous variant (3).
Genome position (GRCh38, 1-based): chr5:112,738,418, A>G. VCF-style: chr5-112738418-A-G. GRCh37 (hg19) VCF-style: chr5-112074115-A-G.
Other names: c.-61A>G (NM_001127510.3, NM_001407449.1, NM_001407455.1 and 1 more transcripts); c.18A>G, p.Leu6= (NM_001354898.2, NM_001354904.2, NM_001407451.1); c.-1053-16455A>G (NM_001407470.1, NM_001407472.1); c.-18-16455A>G (NM_001407447.1, NM_001354895.2, NM_001407456.1 and 7 more transcripts); c.166-27908A>G (NM_001407446.1, NM_001354897.2, NM_001354902.2 and 1 more transcripts); c.-42-27908A>G (NM_001407453.1); c.-1054+493A>G (NM_001354906.2, NM_001407471.1); c.-19+493A>G (NM_001354896.2, NM_001407454.1, NM_001354903.2 and 2 more transcripts); and 1 more.
Identifiers: ClinVar variation 3036495 (VCV003036495.2), dbSNP rs1056964195, ClinGen allele CA124952222.

ClinVar aggregate classification (germline): Likely benign (0 of 4 stars; one submission).

Conditions:
APC-related disorder. Also called: APC-related condition.

Allele frequency attached by ClinVar (database versions not stated): gnomAD 0.00004; TOPMed 0.00006; gnomAD exomes 0.00007.
gnomAD v4.1: 68 of 985,726 alleles (0.0069%); highest among the groups gnomAD compares: Non-Finnish European, 0.0072%; no homozygotes.

Submission:

PreventionGenetics, part of Exact Sciences
Classification: Likely benign for APC-related condition. Last evaluated: 2020-06-19. Review status: no assertion criteria provided. Collection method: clinical testing. Allele origin: germline.
Comment: This variant is classified as likely benign based on ACMG/AMP sequence variant interpretation guidelines (Richards et al. 2015 PMID: 25741868, with internal and published modifications).